The following is an entry in ClinVar:

NM_001297.5(CNGB1):c.3634G>A (p.Glu1212Lys)

Gene: CNGB1 (cyclic nucleotide gated channel subunit beta 1; minus strand). Cytogenetic location: 16q21.
Variant type: single nucleotide variant.
Coding change: c.3634G>A on transcript NM_001297.5 (MANE Select); coding-DNA position 3634, G replaced by A.
Protein change: p.Glu1212Lys; replaces glutamic acid 1212 with lysine.
Molecular consequence: missense variant.
Genome position (GRCh38, 1-based): chr16:57,884,286, C>T on the plus strand (G>A on the coding strand, the complement: CNGB1 is on the minus strand). VCF-style: chr16-57884286-C-T. GRCh37 (hg19) VCF-style: chr16-57918190-C-T.
Other names: c.3616G>A, p.Glu1206Lys (NM_001286130.2); short protein forms E1206K, E1212K.
Identifiers: ClinVar variation 946718 (VCV000946718.7), dbSNP rs777055578, ClinGen allele CA8082488.

ClinVar aggregate classification (germline): Uncertain significance (1 of 4 stars; one submission).

Allele frequency attached by ClinVar (database versions not stated): gnomAD exomes below 0.00001 and 0.00002; TOPMed 0.00001; ExAC 0.00003.
gnomAD v4.1: 6 of 1,613,450 alleles (0.00037%); highest among the groups gnomAD compares: Admixed American, 0.005%; no homozygotes.

Submission:

Labcorp Genetics (formerly Invitae), Labcorp
Classification: Uncertain significance. Last evaluated: 2020-01-30. Review status: criteria provided, single submitter. Criteria: Invitae Variant Classification Sherloc (09022015). Collection method: clinical testing. Allele origin: germline.
Comment: In summary, the available evidence is currently insufficient to determine the role of this variant in disease. Therefore, it has been classified as a Variant of Uncertain Significance. Algorithms developed to predict the effect of missense changes on protein structure and function output the following: SIFT: "Tolerated"; PolyPhen-2: "Benign"; Align-GVGD: "Class C0". The lysine amino acid residue is found in multiple mammalian species, suggesting that this missense change does not adversely affect protein function. These predictions have not been confirmed by published functional studies and their clinical significance is uncertain. This variant has not been reported in the literature in individuals with CNGB1-related conditions. This variant is present in population databases (rs777055578, ExAC 0.03%). This sequence change replaces glutamic acid with lysine at codon 1212 of the CNGB1 protein (p.Glu1212Lys). The glutamic acid residue is weakly conserved and there is a small physicochemical difference between glutamic acid and lysine.